The following is an entry in ClinVar:

ClinVar aggregate classification (germline): Pathogenic/Likely pathogenic. Review status: criteria provided, multiple submitters, no conflicts (2 of 4 stars). 2 submissions from 2 submitters: Pathogenic (1); Likely pathogenic (1). Last evaluated 2024-03-05.

Conditions:
Pontocerebellar hypoplasia type 6 (PCH6). Identifiers: Orphanet 166073, MedGen C1969084, MONDO:0012683, OMIM 611523.

Submissions (2):

Baylor Genetics
Classification: Likely pathogenic for Pontocerebellar hypoplasia type 6. Last evaluated: 2024-03-05. Review status: criteria provided, single submitter. Criteria: ACMG Guidelines, 2015. Collection method: clinical testing. Allele origin: unknown.

Labcorp Genetics (formerly Invitae), Labcorp
Classification: Pathogenic. Last evaluated: 2024-01-24. Review status: criteria provided, single submitter. Criteria: Invitae Variant Classification Sherloc (09022015). Collection method: clinical testing. Allele origin: germline.
Comment: This sequence change creates a premature translational stop signal (p.Tyr366*) in the RARS2 gene. It is expected to result in an absent or disrupted protein product. Loss-of-function variants in RARS2 are known to be pathogenic (PMID: 17847012, 22569581, 26083569). This variant is not present in population databases (gnomAD no frequency). This variant has not been reported in the literature in individuals affected with RARS2-related conditions. For these reasons, this variant has been classified as Pathogenic.

Literature cited by the submitters: PubMed 17847012 (cited by Labcorp Genetics (formerly Invitae), Labcorp); PubMed 22569581 (cited by Labcorp Genetics (formerly Invitae), Labcorp); PubMed 26083569 (cited by Labcorp Genetics (formerly Invitae), Labcorp).

NM_020320.5(RARS2):c.1097_1098del (p.Gly365_Tyr366insTer)

Gene: RARS2 (arginyl-tRNA synthetase 2, mitochondrial; minus strand). Cytogenetic location: 6q15.
Variant type: Microsatellite.
Coding change: c.1097_1098del on transcript NM_020320.5 (MANE Select); coding-DNA positions 1097 to 1098, 2 bases deleted (AT; older notation c.1097_1098delAT).
Protein change: p.Gly365_Tyr366insTer.
Molecular consequence: nonsense. On other transcripts: non-coding transcript variant (23).
Genome position (GRCh38, 1-based): chr6:87,520,194-87,520,195, AT deleted on the plus strand (AT on the coding strand, the reverse complement: RARS2 is on the minus strand); deleting any 2 consecutive bases within chr6:87,520,194-87,520,197 gives the same sequence; the c. name uses the placement nearest the transcript's 3' end. VCF-style (leftmost placement, unchanged base first): chr6-87520193-CAT-C. GRCh37 (hg19) VCF-style: chr6-88229911-CAT-C.
Other names: c.572_573del, p.Gly190_Tyr191insTer (NM_001318785.2, NM_001350506.2, NM_001350507.2 and 4 more transcripts); c.1097_1098del, p.Gly365_Tyr366insTer (NM_001350505.2).
Identifiers: ClinVar variation 1927515 (VCV001927515.6), dbSNP rs2483190231, ClinGen allele CA2580617309.